The following continues an entry in ClinVar:

NM_000218.3(KCNQ1):c.604G>A (p.Asp202Asn)

Gene: KCNQ1. ClinVar aggregate classification (germline): Pathogenic/Likely pathogenic. Pathogenic (11); Likely pathogenic (5).

Submissions 8 to 17 of 17:

Dept of Medical Biology, Uskudar University
Classification: Pathogenic for Long QT syndrome. Last evaluated: 2024-01-08. Review status: criteria provided, single submitter. Criteria: Dept of Medical Biology Variant Classification. Collection method: research. Allele origin: paternal. Affected: yes. Observed: 1 variant allele.
Comment: Criteria: PS4_Strong, PS3_Moderate, PM1, PM2, PP3

Women's Health and Genetics/Laboratory Corporation of America, LabCorp
Classification: Pathogenic for Jervell and Lange-Nielsen syndrome. Last evaluated: 2023-12-12. Review status: criteria provided, single submitter. Criteria: LabCorp Variant Classification Summary - May 2015. Collection method: clinical testing. Allele origin: germline.
Comment: Variant summary: KCNQ1 c.604G>A (p.Asp202Asn) results in a conservative amino acid change in the encoded protein sequence. Four of five in-silico tools predict a damaging effect of the variant on protein function. Several computational tools predict a significant impact on normal splicing: Four predict the variant weakens a canonical 5' donor site. However, these predictions have yet to be confirmed by functional studies. The variant allele was found at a frequency of 8.1e-06 in 248246 control chromosomes (gnomAD). c.604G>A has been reported in the literature in the heterozygous state in individuals with QT prolongation or borderline QT prolongation, and in the homozygous and compound heterozygous state in individuals with Jervell and Lange-Nielsen syndrome (JLNS) (examples: Wang_2002, Al-Aama_2014, Akgun-Dogan_2022). These data indicate that the variant is likely to be associated with disease. At least one publication reports experimental evidence that this variant impairs normal function of the protein (Eldstrom_2009). The following publications have been ascertained in the context of this evaluation (PMID: 34860437, 24372464, 20421371, 12051962, 27920829). Nine submitters have cited clinical-significance assessments for this variant to ClinVar after 2014. All submitters classified the variant as pathogenic/likely pathogenic. Based on the evidence outlined above, the variant was classified as pathogenic.

All of Us Research Program, National Institutes of Health
Classification: Likely pathogenic for Long QT syndrome. Last evaluated: 2023-07-19. Review status: criteria provided, single submitter. Criteria: ACMG Guidelines, 2015. Collection method: clinical testing. Allele origin: germline. Inheritance: Autosomal dominant inheritance. Observed: 1 variant allele, 1 heterozygote.
Comment: This variant causes a G to A nucleotide substitution at the last nucleotide of exon 3 of the KCNQ1 gene and replaces aspartic acid with asparagine at codon 202 of the KCNQ1 protein. Splice site prediction tools suggest that this variant may impact RNA splicing and computational prediction also suggests that this variant may have deleterious impact on protein structure and function (internally defined REVEL score threshold >= 0.7, PMID: 27666373). This variant is found within a highly conserved region of the transmembrane domain S3. Rare nontruncating variants in this region have been shown to be significantly overrepresented in individuals with long QT syndrome (PMID: 32893267). A functional study has shown that this variant impairs channel function by accelerating both activation and deactivation kinetics in transfected cells (PMID: 20421371). This variant has been reported in a few individuals affected with or suspected of having long QT syndrome (PMID: 19716085, 31737537, 32893267). This variant has also been observed in homozyous and compound heterozygous sate in two individuals affected with autosomal recessive Jervell and Lange-Nielsen syndrome (PMID: 12051962, 24372464), indicating that this variant contributes to disease. This variant has been identified in 3/279614 chromosomes in the general population by the Genome Aggregation Database (gnomAD). Based on the available evidence, this variant is classified as Likely Pathogenic.

This study involves interpretation of variants in research participants for the purpose of population health screening. Participant phenotype was not available at the time of variant classification. Additional details can be found in publication PMID: 35346344, PMCID: PMC8962531

Institute of Medical Genetics and Applied Genomics, University Hospital Tübingen
Classification: Pathogenic for Long QT syndrome 1. Last evaluated: 2023-06-26. Review status: criteria provided, single submitter. Criteria: ACMG Guidelines, 2015. Collection method: clinical testing. Allele origin: germline. Inheritance: Autosomal dominant inheritance. Affected: yes.

CeGaT Center for Human Genetics Tuebingen
Classification: Pathogenic. Last evaluated: 2023-06-01. Review status: criteria provided, single submitter. Criteria: CeGaT Center For Human Genetics Tuebingen Variant Classification Criteria Version 2. Collection method: clinical testing. Allele origin: germline. Affected: yes. Observed: 2 variant alleles.
Comment: KCNQ1: PM1, PM2, PM5, PS3:Moderate, PS4:Moderate, PP3

Color Diagnostics, LLC DBA Color Health
Classification: Likely pathogenic for Cardiac arrhythmia. Last evaluated: 2023-05-18. Review status: criteria provided, single submitter. Criteria: ACMG Guidelines, 2015. Collection method: clinical testing. Allele origin: germline.
Comment: This variant causes a G to A nucleotide substitution at the last nucleotide of exon 3 of the KCNQ1 gene and replaces aspartic acid with asparagine at codon 202 of the KCNQ1 protein. Splice site prediction tools suggest that this variant may impact RNA splicing and computational prediction also suggests that this variant may have deleterious impact on protein structure and function (internally defined REVEL score threshold >= 0.7, PMID: 27666373). This variant is found within a highly conserved region of the transmembrane domain S3. Rare nontruncating variants in this region have been shown to be significantly overrepresented in individuals with long QT syndrome (PMID: 32893267). A functional study has shown that this variant impairs channel function by accelerating both activation and deactivation kinetics in transfected cells (PMID: 20421371). This variant has been reported in a few individuals affected with or suspected of having long QT syndrome (PMID: 19716085, 31737537, 32893267). This variant has also been observed in homozyous and compound heterozygous sate in two individuals affected with autosomal recessive Jervell and Lange-Nielsen syndrome (PMID: 12051962, 24372464), indicating that this variant contributes to disease. This variant has been identified in 3/279614 chromosomes in the general population by the Genome Aggregation Database (gnomAD). Based on the available evidence, this variant is classified as Likely Pathogenic.

Institute of Human Genetics, Clinical Exome/Genome Diagnostics Group, University Hospital Bonn
Classification: Likely pathogenic. Last evaluated: 2022-06-02. Review status: criteria provided, single submitter. Criteria: ACMG Guidelines, 2015. Collection method: clinical testing. Allele origin: germline.

AiLife Diagnostics
Classification: Pathogenic. Last evaluated: 2021-12-30. Review status: criteria provided, single submitter. Criteria: ACMG Guidelines, 2015. Collection method: clinical testing. Allele origin: germline. Affected: yes. Observed: 1 variant allele.

Fulgent Genetics
Classification: Likely pathogenic for Beckwith-Wiedemann syndrome; Long QT syndrome 1; Jervell and Lange-Nielsen syndrome 1; Atrial fibrillation, familial, 3; Short QT syndrome type 2. Last evaluated: 2021-11-09. Review status: criteria provided, single submitter. Criteria: ACMG Guidelines, 2015. Collection method: clinical testing. Allele origin: unknown.

Cardiovascular Biomedical Research Unit, Royal Brompton & Harefield NHS Foundation Trust
No classification provided. Condition: Familial long QT syndrome. Review status: no classification provided. Collection method: literature only. Allele origin: germline. Not counted in ClinVar's aggregate classification.
Comment: This variant has been reported as associated with Long QT syndrome in the following publications (PMID:12051962;PMID:12653681;PMID:19716085;PMID:20421371). This is a literature report, and does not necessarily reflect the clinical interpretation of the Imperial College / Royal Brompton Cardiovascular Genetics laboratory.

Literature cited by the submitters: PubMed 19632626 (cited by Victorian Clinical Genetics Services, Murdoch Childrens Research Institute); PubMed 24372464 (cited by 7 submitters); PubMed 20301308 (cited by Victorian Clinical Genetics Services, Murdoch Childrens Research Institute); PubMed 39940965 (cited by Victorian Clinical Genetics Services, Murdoch Childrens Research Institute); PubMed 28438721 (cited by Victorian Clinical Genetics Services, Murdoch Childrens Research Institute); PubMed 20421371 (cited by 8 submitters); PubMed 19716085 (cited by 6 submitters); PubMed 31737537 (cited by 5 submitters); PubMed 31589614 (cited by Variantyx, Inc. and AiLife Diagnostics); PubMed 12051962 (cited by 7 submitters); PubMed 34860437 (cited by Labcorp Genetics (formerly Invitae), Labcorp and Women's Health and Genetics/Laboratory Corporation of America, LabCorp); PubMed 17576681 (cited by Labcorp Genetics (formerly Invitae), Labcorp); PubMed 9536098 (cited by Labcorp Genetics (formerly Invitae), Labcorp); PubMed 27920829 (cited by Women's Health and Genetics/Laboratory Corporation of America, LabCorp); PubMed 32893267 (cited by All of Us Research Program, National Institutes of Health and Color Diagnostics, LLC DBA Color Health); PubMed 32048431 (cited by AiLife Diagnostics); PubMed 34135346 (cited by AiLife Diagnostics); PubMed 25525159 (cited by AiLife Diagnostics); PubMed 12653681 (cited by Cardiovascular Biomedical Research Unit, Royal Brompton & Harefield NHS Foundation Trust); PubMed 22581653 (cited by Cardiovascular Biomedical Research Unit, Royal Brompton & Harefield NHS Foundation Trust).